The following is an entry in ClinVar:

ClinVar aggregate classification (germline): Uncertain significance. Review status: criteria provided, multiple submitters, no conflicts (2 of 4 stars). 3 submissions from 3 submitters: Uncertain significance (3). Last evaluated 2024-01-15.

Conditions:
Emery-Dreifuss muscular dystrophy 4, autosomal dominant (EDMD4). Also called: EMERY-DREIFUSS MUSCULAR DYSTROPHY 4 WITH VARIABLE FEATURES. Identifiers: Orphanet 261, MedGen C2751807, MONDO:0013071, OMIM 612998.
Autosomal recessive ataxia, Beauce type. Also called: ATAXIA, RECESSIVE, OF BEAUCE; Spinocerebellar ataxia, autosomal recessive 8; SYNE1 Deficiency; SYNE1-Related Autosomal Recessive Cerebellar Ataxia. Identifiers: Orphanet 88644, MedGen C1853116, MONDO:0012549, OMIM 610743.

Allele frequency attached by ClinVar (database versions not stated): ExAC 0.00011; gnomAD exomes 0.00017; gnomAD 0.00003 and 0.00004; TOPMed 0.00009.
gnomAD v4.1: 55 of 1,613,882 alleles (0.0034%); highest among the groups gnomAD compares: Admixed American, 0.088%; 1 homozygote.

Submissions (3):

Labcorp Genetics (formerly Invitae), Labcorp
Classification: Uncertain significance for Emery-Dreifuss muscular dystrophy 4, autosomal dominant; Autosomal recessive ataxia, Beauce type. Last evaluated: 2024-01-15. Review status: criteria provided, single submitter. Criteria: Invitae Variant Classification Sherloc (09022015). Collection method: clinical testing. Allele origin: germline.
Comment: This sequence change replaces glutamine, which is neutral and polar, with glutamic acid, which is acidic and polar, at codon 4059 of the SYNE1 protein (p.Gln4059Glu). This variant is present in population databases (rs779969031, gnomAD 0.1%). This variant has not been reported in the literature in individuals affected with SYNE1-related conditions. ClinVar contains an entry for this variant (Variation ID: 1162994). An algorithm developed to predict the effect of missense changes on protein structure and function (PolyPhen-2) suggests that this variant¬†is likely to be tolerated. In summary, the available evidence is currently insufficient to determine the role of this variant in disease. Therefore, it has been classified as a Variant of Uncertain Significance.

GeneDx
Classification: Uncertain significance. Last evaluated: 2022-11-30. Review status: criteria provided, single submitter. Criteria: GeneDx Variant Classification Process June 2021. Collection method: clinical testing. Allele origin: germline. Affected: yes.
Comment: In silico analysis supports that this missense variant does not alter protein structure/function; Has not been previously published as pathogenic or benign to our knowledge

Mayo Clinic Laboratories, Mayo Clinic
Classification: Uncertain significance. Last evaluated: 2020-09-30. Review status: criteria provided, single submitter. Criteria: ACMG Guidelines, 2015. Collection method: clinical testing. Allele origin: germline. Observed: 1 variant allele.

NM_182961.4(SYNE1):c.12388C>G (p.Gln4130Glu)

Gene: SYNE1 (spectrin repeat containing nuclear envelope protein 1; minus strand). Cytogenetic location: 6q25.2.
Variant type: single nucleotide variant.
Coding change: c.12388C>G on transcript NM_182961.4 (MANE Select); coding-DNA position 12388, C replaced by G.
Protein change: p.Gln4130Glu; replaces glutamine 4130 with glutamic acid.
Molecular consequence: missense variant.
Genome position (GRCh38, 1-based): chr6:152,336,981, G>C on the plus strand (C>G on the coding strand, the complement: SYNE1 is on the minus strand). VCF-style: chr6-152336981-G-C. GRCh37 (hg19) VCF-style: chr6-152658116-G-C.
Other names: c.12175C>G, p.Gln4059Glu (NM_033071.5); short protein forms Q4059E, Q4130E.
Identifiers: ClinVar variation 1162994 (VCV001162994.9), dbSNP rs779969031, ClinGen allele CA4056403.